The following is an entry in ClinVar:

ClinVar aggregate classification (germline): Uncertain significance (0 of 4 stars; one submission).

Submission:

Diagnostics Centre, Carl Von Ossietzky University Oldenburg
Classification: Uncertain significance. Last evaluated: 2025-06-05. Review status: no assertion criteria provided. Collection method: clinical testing. Allele origin: germline. Affected: yes. Observed: 1 variant allele.
Comment: The variant IRF2BPL:c.1042C>T p.(Gln348*), located in the exon 1 of the IRF2BPL gene results from a cytosine-to-thymine substitution at nucleotide position c.1042. The glutamic acid residue at protein position 348 is replaced by a premature stop codon. The variant affects an exon [1/1] present in a biologically relevant transcript and in a gene where loss-of-function is a known mechanism of disease. The altered gene product is not degraded by nonsense-mediated decay. However, more than 10% of the protein is removed. The variant has not yet been described in ClinVar or in any publications known to us. The variant is classified as very rare since it is absent in gnomAD v4.1.0. In summary, the variant is classified as a variant of uncertain significance.

NM_024496.4(IRF2BPL):c.1042C>T (p.Gln348Ter)

Gene: IRF2BPL (interferon regulatory factor 2 binding protein like; minus strand). Cytogenetic location: 14q24.3.
Variant type: single nucleotide variant.
Coding change: c.1042C>T on transcript NM_024496.4 (MANE Select); coding-DNA position 1042, C replaced by T.
Protein change: p.Gln348Ter; replaces glutamine 348 with a stop codon.
Molecular consequence: nonsense.
Genome position (GRCh38, 1-based): chr14:77,026,751, G>A on the plus strand (C>T on the coding strand, the complement: IRF2BPL is on the minus strand). VCF-style: chr14-77026751-G-A. GRCh37 (hg19) VCF-style: chr14-77493094-G-A.
Other names: short protein forms Q348*.
Identifiers: ClinVar variation 4845262 (VCV004845262.1).